The following is an entry in ClinVar:

NM_015295.3(SMCHD1):c.2531C>T (p.Pro844Leu)

Gene: SMCHD1 (structural maintenance of chromosomes flexible hinge domain containing 1; plus strand). Cytogenetic location: 18p11.32.
Variant type: single nucleotide variant.
Coding change: c.2531C>T on transcript NM_015295.3 (MANE Select); coding-DNA position 2531, C replaced by T.
Protein change: p.Pro844Leu; replaces proline 844 with leucine.
Molecular consequence: missense variant.
Genome position (GRCh38, 1-based): chr18:2,722,591, C>T. VCF-style: chr18-2722591-C-T. GRCh37 (hg19) VCF-style: chr18-2722589-C-T.
Other names: short protein forms P844L.
Identifiers: ClinVar variation 4744231 (VCV004744231.1).
Genomic context (GRCh38, chr18:2,722,591, plus strand): 5'-AGAAATTTTCATTTGGTCTTCTGGATCTTCCTTTTCGTGTTGGAGTTCCATTTAATATCC[C>T]TCTGGAGTTTCAGGATGAATTTGGTCATACCAGTCAACTAGTAACTGATATTCAGCCAGT-3'
Protein context (NP_056110.2, residues 834-854): PFRVGVPFNI[Pro844Leu]LEFQDEFGHT

ClinVar aggregate classification (germline): Uncertain significance (1 of 4 stars; one submission).

Conditions:
Facioscapulohumeral muscular dystrophy 2 (FSHD2). Also called: MUSCULAR DYSTROPHY, FACIOSCAPULOHUMERAL, TYPE 1B; FACIOSCAPULOHUMERAL MUSCULAR DYSTROPHY 2, DIGENIC; FSHD2, DIGENIC. Identifiers: Orphanet 269, MedGen C1834671, MONDO:0008031, OMIM 158901.

Submission:

Labcorp Genetics (formerly Invitae), Labcorp
Classification: Uncertain significance for Facioscapulohumeral muscular dystrophy 2. Last evaluated: 2025-04-07. Review status: criteria provided, single submitter. Criteria: Invitae Variant Classification Sherloc (09022015). Collection method: clinical testing. Allele origin: germline.
Comment: This sequence change replaces proline, which is neutral and non-polar, with leucine, which is neutral and non-polar, at codon 844 of the SMCHD1 protein (p.Pro844Leu). This variant is not present in population databases (gnomAD no frequency). This variant has not been reported in the literature in individuals affected with SMCHD1-related conditions. Invitae Evidence Modeling of protein sequence and biophysical properties (such as structural, functional, and spatial information, amino acid conservation, physicochemical variation, residue mobility, and thermodynamic stability) indicates that this missense variant is expected to disrupt SMCHD1 protein function with a positive predictive value of 80%. In summary, the available evidence is currently insufficient to determine the role of this variant in disease. Therefore, it has been classified as a Variant of Uncertain Significance.